The following is an entry in ClinVar:

NM_002693.3(POLG):c.358T>G (p.Leu120Val)

Genes: POLG (DNA polymerase gamma, catalytic subunit; minus strand), POLGARF (POLG alternative reading frame; minus strand). Cytogenetic location: 15q26.1.
Variant type: single nucleotide variant.
Coding change: c.358T>G on transcript NM_002693.3 (MANE Select); coding-DNA position 358, T replaced by G.
Protein change: p.Leu120Val; replaces leucine 120 with valine.
Molecular consequence: missense variant.
Genome position (GRCh38, 1-based): chr15:89,333,397, A>C on the plus strand (T>G on the coding strand, the complement: POLG is on the minus strand). VCF-style: chr15-89333397-A-C. GRCh37 (hg19) VCF-style: chr15-89876628-A-C.
Other names: c.413T>G, p.Leu138Arg (NM_001430120.1); c.358T>G, p.Leu120Val (NM_001126131.2); short protein forms L138R, L120V.
Identifiers: ClinVar variation 3636655 (VCV003636655.2).

ClinVar aggregate classification (germline): Uncertain significance (1 of 4 stars; one submission).

Conditions:
Progressive sclerosing poliodystrophy (MTDPS4A). Also called: ALPERS PROGRESSIVE INFANTILE POLIODYSTROPHY; NEURONAL DEGENERATION OF CHILDHOOD WITH LIVER DISEASE, PROGRESSIVE; Alpers Syndrome; ALPERS DIFFUSE DEGENERATION OF CEREBRAL GRAY MATTER WITH HEPATIC CIRRHOSIS; Alpers-Huttenlocher Syndrome; Mitochondrial DNA depletion syndrome 4A (Alpers type). Identifiers: Orphanet 726, MedGen C0205710, MONDO:0008758, OMIM 203700.

Submission:

Labcorp Genetics (formerly Invitae), Labcorp
Classification: Uncertain significance for Progressive sclerosing poliodystrophy. Last evaluated: 2024-12-17. Review status: criteria provided, single submitter. Criteria: Invitae Variant Classification Sherloc (09022015). Collection method: clinical testing. Allele origin: germline.
Comment: This sequence change replaces leucine, which is neutral and non-polar, with valine, which is neutral and non-polar, at codon 120 of the POLG protein (p.Leu120Val). This variant is not present in population databases (gnomAD no frequency). This variant has not been reported in the literature in individuals affected with POLG-related conditions. Invitae Evidence Modeling of protein sequence and biophysical properties (such as structural, functional, and spatial information, amino acid conservation, physicochemical variation, residue mobility, and thermodynamic stability) has been performed for this missense variant. However, the output from this modeling did not meet the statistical confidence thresholds required to predict the impact of this variant on POLG protein function. In summary, the available evidence is currently insufficient to determine the role of this variant in disease. Therefore, it has been classified as a Variant of Uncertain Significance.